The following is an entry in ClinVar:

ClinVar aggregate classification (germline): Uncertain significance (1 of 4 stars; one submission).

Allele frequency attached by ClinVar (database versions not stated): TOPMed below 0.00001; gnomAD exomes 0.00001 and 0.00003.
gnomAD v4.1: 17 of 1,364,910 alleles (0.0012%); highest among the groups gnomAD compares: Admixed American, 0.0086%; no homozygotes.

Submission:

GeneDx
Classification: Uncertain significance. Last evaluated: 2021-06-14. Review status: criteria provided, single submitter. Criteria: GeneDx Variant Classification Process June 2021. Collection method: clinical testing. Allele origin: germline. Affected: yes.
Comment: In silico analysis supports that this missense variant has a deleterious effect on protein structure/function; Has not been previously published as pathogenic or benign to our knowledge; This variant is associated with the following publications: (PMID: 27535533)

NM_031475.3(ESPN):c.731T>C (p.Met244Thr)

Gene: ESPN (espin; plus strand). Cytogenetic location: 1p36.31.
Variant type: single nucleotide variant.
Coding change: c.731T>C on transcript NM_031475.3 (MANE Select); coding-DNA position 731, T replaced by C.
Protein change: p.Met244Thr; replaces methionine 244 with threonine.
Molecular consequence: missense variant.
Genome position (GRCh38, 1-based): chr1:6,440,681, T>C. VCF-style: chr1-6440681-T-C. GRCh37 (hg19) VCF-style: chr1-6500741-T-C.
Other names: c.731T>C, p.Met244Thr (NM_001367473.1, NM_001367474.1); short protein forms M244T.
Identifiers: ClinVar variation 1328694 (VCV001328694.2), dbSNP rs745396109, ClinGen allele CA559984.